The following is an entry in ClinVar:

ClinVar aggregate classification (germline): Uncertain significance. Review status: criteria provided, multiple submitters, no conflicts (2 of 4 stars). 2 submissions from 2 submitters: Uncertain significance (2). Last evaluated 2025-06-22.

Conditions:
Emery-Dreifuss muscular dystrophy (EDMD). Also called: Scapuloperoneal syndrome, X-linked (formerly); Humeroperoneal neuromuscular disease, (formerly). Identifiers: Orphanet 261, MedGen C0410189, MONDO:0016830.

Allele frequency attached by ClinVar (database versions not stated): gnomAD 0.00001; TOPMed 0.00001; gnomAD exomes 0.00002.

Submissions (2):

Ambry Genetics
Classification: Uncertain significance. Last evaluated: 2025-06-22. Review status: criteria provided, single submitter. Criteria: Ambry Variant Classification Scheme 2023. Collection method: clinical testing. Allele origin: germline.

Labcorp Genetics (formerly Invitae), Labcorp
Classification: Uncertain significance for Emery-Dreifuss muscular dystrophy. Last evaluated: 2017-10-30. Review status: criteria provided, single submitter. Criteria: Invitae Variant Classification Sherloc (09022015). Collection method: clinical testing. Allele origin: germline.
Comment: This variant has not been reported in the literature in individuals with SUN2-related disease. This variant is not present in population databases (ExAC no frequency). This sequence change replaces glycine with valine at codon 14 of the SUN2 protein (p.Gly14Val). The glycine residue is weakly conserved and there is a moderate physicochemical difference between glycine and valine. In summary, the available evidence is currently insufficient to determine the role of this variant in disease. Therefore, it has been classified as a Variant of Uncertain Significance. Algorithms developed to predict the effect of sequence changes on RNA splicing suggest that this variant may create or strengthen a splice site, but this prediction has not been confirmed by published transcriptional studies. Algorithms developed to predict the effect of missense changes on protein structure and function output the following: SIFT: "Tolerated"; PolyPhen-2: "Benign"; Align-GVGD: "Class C0". The valine amino acid residue is found in multiple mammalian species, suggesting that this missense change does not adversely affect protein function. These predictions have not been confirmed by published functional studies and their clinical significance is uncertain.

NM_015374.3(SUN2):c.41G>T (p.Gly14Val)

Gene: SUN2 (Sad1 and UNC84 domain containing 2; minus strand). Cytogenetic location: 22q13.1.
Variant type: single nucleotide variant.
Coding change: c.41G>T on transcript NM_015374.3 (MANE Select); coding-DNA position 41, G replaced by T.
Protein change: p.Gly14Val; replaces glycine 14 with valine.
Molecular consequence: missense variant.
Genome position (GRCh38, 1-based): chr22:38,752,588, C>A on the plus strand (G>T on the coding strand, the complement: SUN2 is on the minus strand). VCF-style: chr22-38752588-C-A. GRCh37 (hg19) VCF-style: chr22-39148593-C-A.
Other names: c.41G>T, p.Gly14Val (NM_001199579.2, NM_001199580.2); short protein forms G14V.
Identifiers: ClinVar variation 530825 (VCV000530825.9), dbSNP rs1461986386, ClinGen allele CA411587628.